The following is an entry in ClinVar:

ClinVar aggregate classification (germline): Likely benign. Review status: criteria provided, multiple submitters, no conflicts (2 of 4 stars). 2 submissions from 2 submitters: Likely benign (2). Last evaluated 2025-07-01.

gnomAD v4.1: 742 of 1,614,056 alleles (0.046%); highest among the groups gnomAD compares: Non-Finnish European, 0.058%; no homozygotes.

Submissions (2):

CeGaT Center for Human Genetics Tuebingen
Classification: Likely benign. Last evaluated: 2025-07-01. Review status: criteria provided, single submitter. Criteria: CeGaT Center For Human Genetics Tuebingen Variant Classification Criteria Version 2. Collection method: clinical testing. Allele origin: germline. Affected: yes. Observed: 2 variant alleles.
Comment: ARID2: BP4, BP7

Blueprint Genetics
Classification: Likely benign. Last evaluated: 2024-04-21. Review status: criteria provided, single submitter. Criteria: ACMG Guidelines, 2015. Collection method: clinical testing. Allele origin: germline.

NM_152641.4(ARID2):c.3438G>A (p.Ser1146=)

Gene: ARID2 (AT-rich interaction domain 2; plus strand). Cytogenetic location: 12q12.
Variant type: single nucleotide variant.
Coding change: c.3438G>A on transcript NM_152641.4 (MANE Select); coding-DNA position 3438, G replaced by A.
Protein change: p.Ser1146=; no amino-acid change (serine 1146 retained).
Molecular consequence: synonymous variant.
Genome position (GRCh38, 1-based): chr12:45,851,561, G>A. VCF-style: chr12-45851561-G-A. GRCh37 (hg19) VCF-style: chr12-46245344-G-A.
Other names: c.3438G>A, p.Ser1146= (NM_001347839.2).
Identifiers: ClinVar variation 3341631 (VCV003341631.17).